The following is an entry in ClinVar:

NM_001103.4(ACTN2):c.1816G>C (p.Glu606Gln)

Gene: ACTN2 (actinin alpha 2; plus strand). Cytogenetic location: 1q43.
Variant type: single nucleotide variant.
Coding change: c.1816G>C on transcript NM_001103.4 (MANE Select); coding-DNA position 1816, G replaced by C.
Protein change: p.Glu606Gln; replaces glutamic acid 606 with glutamine.
Molecular consequence: missense variant.
Genome position (GRCh38, 1-based): chr1:236,751,629, G>C. VCF-style: chr1-236751629-G-C. GRCh37 (hg19) VCF-style: chr1-236914929-G-C.
Other names: c.1816G>C, p.Glu606Gln (NM_001278343.2); c.1192G>C, p.Glu398Gln (NM_001278344.2); c.1066G>C, p.Glu356Gln (NM_001412150.1); short protein forms E356Q, E606Q, E398Q.
Identifiers: ClinVar variation 1780678 (VCV001780678.3), dbSNP rs1438508177, ClinGen allele CA345386386.
Genomic context (GRCh38, chr1:236,751,629, plus strand): 5'-ATTCAGAGCTACAACATCAGAATCAGCTCAAGCAACCCGTACAGCACTGTCACCATGGAT[G>C]AGCTCCGGACCAAGTGGGACAAGGTGGGTGGCTGAGGGCCTGGTGTGGGACCAGGGGGCA-3'
Protein context (NP_001094.1, residues 596-616): SNPYSTVTMD[Glu606Gln]LRTKWDKVKQ

ClinVar aggregate classification (germline): Uncertain significance. Review status: criteria provided, multiple submitters, no conflicts (2 of 4 stars). 2 submissions from 2 submitters: Uncertain significance (2). Last evaluated 2025-11-20.

Conditions:
Cardiovascular phenotype. Identifiers: MedGen CN230736.
Dilated cardiomyopathy 1AA (CMD1AA). Also called: Cardiomyopathy, dilated, 1AA, with or without LVNC; CARDIOMYOPATHY, DILATED, 1AA, WITH OR WITHOUT LEFT VENTRICULAR NONCOMPACTION; CARDIOMYOPATHY, FAMILIAL HYPERTROPHIC, 23, WITH OR WITHOUT LEFT VENTRICULAR NONCOMPACTION. Identifiers: Orphanet 154, MedGen C2677338, MONDO:0012808, OMIM 612158.
Primary familial hypertrophic cardiomyopathy (HCM). Identifiers: Orphanet 99739, MedGen C0949658, MeSH D024741, MONDO:0024573. Inheritance: Various modes of inheritance.

Allele frequency attached by ClinVar (database versions not stated): TOPMed 0.00001.
gnomAD v4.1: 1 of 1,613,986 alleles (0.000062%); highest among the groups gnomAD compares: African/African-American, 0.0013%; no homozygotes.

Submissions (2):

Labcorp Genetics (formerly Invitae), Labcorp
Classification: Uncertain significance for Primary familial hypertrophic cardiomyopathy; Dilated cardiomyopathy 1AA. Last evaluated: 2025-11-20. Review status: criteria provided, single submitter. Criteria: Invitae Variant Classification Sherloc (09022015). Collection method: clinical testing. Allele origin: germline.
Comment: This sequence change replaces glutamic acid, which is acidic and polar, with glutamine, which is neutral and polar, at codon 606 of the ACTN2 protein (p.Glu606Gln). This variant is not present in population databases (gnomAD no frequency). This variant has not been reported in the literature in individuals affected with ACTN2-related conditions. ClinVar contains an entry for this variant (Variation ID: 1780678). Invitae Evidence Modeling of protein sequence and biophysical properties (such as structural, functional, and spatial information, amino acid conservation, physicochemical variation, residue mobility, and thermodynamic stability) indicates that this missense variant is not expected to disrupt ACTN2 protein function with a negative predictive value of 80%. In summary, the available evidence is currently insufficient to determine the role of this variant in disease. Therefore, it has been classified as a Variant of Uncertain Significance.

Ambry Genetics
Classification: Uncertain significance for Cardiovascular phenotype. Last evaluated: 2021-03-17. Review status: criteria provided, single submitter. Criteria: Ambry Variant Classification Scheme 2023. Collection method: clinical testing. Allele origin: germline.
Comment: The p.E606Q variant (also known as c.1816G>C), located in coding exon 15 of the ACTN2 gene, results from a G to C substitution at nucleotide position 1816. The glutamic acid at codon 606 is replaced by glutamine, an amino acid with highly similar properties. This amino acid position is well conserved in available vertebrate species. In addition, this alteration is predicted to be tolerated by in silico analysis. Since supporting evidence is limited at this time, the clinical significance of this alteration remains unclear.